The following is an entry in ClinVar:

ClinVar aggregate classification (germline): Likely benign. Review status: criteria provided, multiple submitters, no conflicts (2 of 4 stars). 2 submissions from 2 submitters: Likely benign (2). Last evaluated 2026-03-01.

Conditions:
Spastic paraplegia. Identifiers: MedGen C0037772, HP:0001258.

Allele frequency attached by ClinVar (database versions not stated): TOPMed 0.00002.
gnomAD v4.1: 23 of 1,211,033 alleles (0.0019%); highest among the groups gnomAD compares: East Asian, 0.044%; no homozygotes.

Submissions (2):

CeGaT Center for Human Genetics Tuebingen
Classification: Likely benign. Last evaluated: 2026-03-01. Review status: criteria provided, single submitter. Criteria: CeGaT Center For Human Genetics Tuebingen Variant Classification Criteria Version 2. Collection method: clinical testing. Allele origin: germline. Affected: yes. Observed: 1 variant allele.
Comment: L1CAM: BP4, BS2

Labcorp Genetics (formerly Invitae), Labcorp
Classification: Likely benign for Spastic paraplegia. Last evaluated: 2025-12-18. Review status: criteria provided, single submitter. Criteria: Invitae Variant Classification Sherloc (09022015). Collection method: clinical testing. Allele origin: germline.

NM_001278116.2(L1CAM):c.2944G>A (p.Asp982Asn)

Gene: L1CAM (L1 cell adhesion molecule; minus strand). Cytogenetic location: Xq28.
Variant type: single nucleotide variant.
Coding change: c.2944G>A on transcript NM_001278116.2 (MANE Select); coding-DNA position 2944, G replaced by A.
Protein change: p.Asp982Asn; replaces aspartic acid 982 with asparagine.
Molecular consequence: missense variant.
Genome position (GRCh38, 1-based): chrX:153,864,923, C>T on the plus strand (G>A on the coding strand, the complement: L1CAM is on the minus strand). VCF-style: chrX-153864923-C-T. GRCh37 (hg19) VCF-style: chrX-153130378-C-T.
Other names: c.2944G>A, p.Asp982Asn (NM_000425.5, NM_024003.3); c.2929G>A, p.Asp977Asn (NM_001143963.2); short protein forms D982N, D977N.
Identifiers: ClinVar variation 3020352 (VCV003020352.7), dbSNP rs782121391, ClinGen allele CA415114140.
Genomic context (GRCh38, chrX:153,864,923, plus strand): 5'-CAGGGCCCTCTTTGGTGGTGGCCTGAAGCTGGAAGCGGTACCGCAGGTGGGGGCTGAGAT[C>T]GGTCAGGTTGTGTGTCCGAAGTTCGGGGTCCCGAAGGTTGAAGGACAGTTGCCCCTTGCC-3'
Protein context (NP_001265045.1, residues 972-992): DPELRTHNLT[Asp982Asn]LSPHLRYRFQ